The following is an entry in ClinVar:

ClinVar aggregate classification (germline): Pathogenic/Likely pathogenic. Review status: criteria provided, multiple submitters, no conflicts (2 of 4 stars). 6 submissions from 6 submitters: Pathogenic (3); Likely pathogenic (2). 1 of the submissions does not count toward it. Last evaluated 2025-07-08.

Conditions:
Autosomal recessive nonsyndromic hearing loss 4 (DFNB4). Also called: FOXI1-Related Pendred Syndrome; KCNJ10-Related Pendred Syndrome; DEAFNESS, AUTOSOMAL RECESSIVE 4, WITH ENLARGED VESTIBULAR AQUEDUCT, DIGENIC; Nonsyndromic enlarged vestibular aqueduct (NSEVA); Deafness, autosomal recessive 4, with enlarged vestibular aqueduct; Enlarged vestibular aqueduct, digenic. Identifiers: Orphanet 90636, MedGen C3538946, MONDO:0010933, OMIM 600791.
Pendred syndrome (PDS). Also called: THYROID DYSHORMONOGENESIS 2B; THYROID HORMONOGENESIS, GENETIC DEFECT IN, 2B; Pendred Syndrome (PDS); DEAFNESS WITH GOITER; GOITER-DEAFNESS SYNDROME; HYPOTHYROIDISM, CONGENITAL, DUE TO DYSHORMONOGENESIS, 2B. Identifiers: Orphanet 705, MedGen C0271829, MONDO:0010134, OMIM 274600.

gnomAD v4.1: 2 of 1,564,102 alleles (0.00013%); highest among the groups gnomAD compares: East Asian, 0.0022%; no homozygotes.

Submissions (6):

Women's Health and Genetics/Laboratory Corporation of America, LabCorp
Classification: Pathogenic for Pendred syndrome. Last evaluated: 2025-07-08. Review status: criteria provided, single submitter. Criteria: LabCorp Variant Classification Summary - May 2015. Collection method: clinical testing. Allele origin: germline.
Comment: Variant summary: SLC26A4 c.412G>C (p.Val138Leu) results in a conservative amino acid change in the encoded protein sequence. Algorithms developed to predict the effect of missense changes on protein structure and function are either unavailable or do not agree on the potential impact of this missense change. The variant was absent in 251236 control chromosomes. c.412G>C has been observed in multiple compound heterozygous individuals affected with clinical features of Pendred Syndrome (Oh_2008, Choi_2009, Rah_2015, Na_2020). These data indicate that the variant is very likely to be associated with disease. A different variant affecting the same codon has been classified as pathogenic by our lab (c.412G>T, p.Val138Phe), supporting the critical relevance of codon 138 to SLC26A4 protein function. At least one publication reports experimental evidence evaluating an impact on protein function (Choi_2009). The most pronounced variant effect results in 10%-<30% of normal activity. The following publications have been ascertained in the context of this evaluation (PMID: 19645628, 32877901, 18665027, 25488846, 34599366). ClinVar contains an entry for this variant (Variation ID: 556058). Based on the evidence outlined above, the variant was classified as pathogenic.

Myriad Genetics, Inc.
Classification: Likely pathogenic for Pendred syndrome. Last evaluated: 2025-03-11. Review status: criteria provided, single submitter. Criteria: Myriad Autosomal Dominant, Autosomal Recessive and X-Linked Classification Criteria (2023). Collection method: clinical testing. Allele origin: unknown.
Comment: NM_000441.1(SLC26A4):c.412G>C(V138L) is a missense variant classified as likely pathogenic in the context of Pendred syndrome. V138L has been observed in cases with relevant disease (PMID: 19645628, 27090054). Relevant functional assessments of this variant are available in the literature (PMID: 19645628). V138L has not been observed in referenced population frequency databases. In summary, NM_000441.1(SLC26A4):c.412G>C(V138L) is a missense variant that has functional support for pathogenicity and has been observed more frequently in cases with the relevant disease than in healthy populations. Please note: this variant was assessed in the context of healthy population screening.

Baylor Genetics
Classification: Likely pathogenic for Autosomal recessive nonsyndromic hearing loss 4. Last evaluated: 2023-05-31. Review status: criteria provided, single submitter. Criteria: ACMG Guidelines, 2015. Collection method: clinical testing. Allele origin: unknown.

3billion
Classification: Pathogenic for Autosomal recessive nonsyndromic hearing loss 4. Last evaluated: 2023-02-23. Review status: criteria provided, single submitter. Criteria: ACMG Guidelines, 2015. Collection method: clinical testing. Allele origin: unknown. Affected: yes.
Comment: The variant is not observed in the gnomAD v2.1.1 dataset. Functional studies provide moderate evidence of the variant having a damaging effect on the gene or gene product (PMID: 19645628). In silico tool predictions suggest damaging effect of the variant on gene or gene product (REVEL: 0.82; 3Cnet: 0.60). Same nucleotide change resulting in same amino acid change (ClinVar ID: VCV000556058) and a different missense change at the same codon (p.Val138Phe / ClinVar ID: VCV000004835) have been previously reported as pathogenic/likely pathogenic with strong evidence. Therefore, this variant is classified as Pathogenic according to the recommendation of ACMG/AMP guideline.

Labcorp Genetics (formerly Invitae), Labcorp
Classification: Pathogenic. Last evaluated: 2022-11-03. Review status: criteria provided, single submitter. Criteria: Invitae Variant Classification Sherloc (09022015). Collection method: clinical testing. Allele origin: germline.
Comment: For these reasons, this variant has been classified as Pathogenic. This variant disrupts the p.Val138 amino acid residue in SLC26A4. Other variant(s) that disrupt this residue have been determined to be pathogenic (PMID: 9618166, 11932316, 12788906, 21551164, 23273637, 24224479, 26969326). This suggests that this residue is clinically significant, and that variants that disrupt this residue are likely to be disease-causing. Algorithms developed to predict the effect of sequence changes on RNA splicing suggest that this variant may disrupt the consensus splice site. Experimental studies have shown that this missense change affects SLC26A4 function (PMID: 19645628). Advanced modeling of protein sequence and biophysical properties (such as structural, functional, and spatial information, amino acid conservation, physicochemical variation, residue mobility, and thermodynamic stability) has been performed at Invitae for this missense variant, however the output from this modeling did not meet the statistical confidence thresholds required to predict the impact of this variant on SLC26A4 protein function. ClinVar contains an entry for this variant (Variation ID: 556058). This missense change has been observed in individual(s) with Pendred syndrome (PMID: 18665027, 19645628, 25488846). In at least one individual the data is consistent with being in trans (on the opposite chromosome) from a pathogenic variant. This variant is not present in population databases (gnomAD no frequency). This sequence change replaces valine, which is neutral and non-polar, with leucine, which is neutral and non-polar, at codon 138 of the SLC26A4 protein (p.Val138Leu).

Counsyl
Classification: Likely pathogenic for Pendred syndrome. Last evaluated: 2018-01-10. Review status: no assertion criteria provided. Collection method: clinical testing. Allele origin: unknown. Not counted in ClinVar's aggregate classification.

Literature cited by the submitters: PubMed 25488846 (cited by Women's Health and Genetics/Laboratory Corporation of America, LabCorp and Labcorp Genetics (formerly Invitae), Labcorp); PubMed 34599366 (cited by Women's Health and Genetics/Laboratory Corporation of America, LabCorp); PubMed 19645628 (cited by 5 submitters); PubMed 32877901 (cited by Women's Health and Genetics/Laboratory Corporation of America, LabCorp); PubMed 18665027 (cited by Women's Health and Genetics/Laboratory Corporation of America, LabCorp and Labcorp Genetics (formerly Invitae), Labcorp); PubMed 27090054 (cited by Myriad Genetics, Inc. and Counsyl); PubMed 9618166 (cited by Labcorp Genetics (formerly Invitae), Labcorp); PubMed 11932316 (cited by Labcorp Genetics (formerly Invitae), Labcorp); PubMed 12788906 (cited by Labcorp Genetics (formerly Invitae), Labcorp); PubMed 21551164 (cited by Labcorp Genetics (formerly Invitae), Labcorp); PubMed 23273637 (cited by Labcorp Genetics (formerly Invitae), Labcorp); PubMed 24224479 (cited by Labcorp Genetics (formerly Invitae), Labcorp); PubMed 26969326 (cited by Labcorp Genetics (formerly Invitae), Labcorp); PubMed 27771369 (cited by Counsyl).

NM_000441.2(SLC26A4):c.412G>C (p.Val138Leu)

Gene: SLC26A4 (solute carrier family 26 member 4; plus strand). Cytogenetic location: 7q22.3.
Variant type: single nucleotide variant.
Coding change: c.412G>C on transcript NM_000441.2 (MANE Select); coding-DNA position 412, G replaced by C.
Protein change: p.Val138Leu; replaces valine 138 with leucine.
Molecular consequence: missense variant.
Genome position (GRCh38, 1-based): chr7:107,672,245, G>C. VCF-style: chr7-107672245-G-C. GRCh37 (hg19) VCF-style: chr7-107312690-G-C.
Other names: short protein forms V138L.
Identifiers: ClinVar variation 556058 (VCV000556058.11), dbSNP rs111033199, ClinGen allele CA368847338.